The following is an entry in ClinVar:

NM_024656.4(COLGALT1):c.1602-5C>T

Gene: COLGALT1 (collagen beta(1-O)galactosyltransferase 1; plus strand). Cytogenetic location: 19p13.11.
Variant type: single nucleotide variant.
Coding change: c.1602-5C>T on transcript NM_024656.4 (MANE Select); 5 bases into the intron before coding-DNA position 1602, C replaced by T.
Molecular consequence: intron variant.
Genome position (GRCh38, 1-based): chr19:17,581,172, C>T. VCF-style: chr19-17581172-C-T. GRCh37 (hg19) VCF-style: chr19-17691981-C-T.
Identifiers: ClinVar variation 4988864 (VCV004988864.1).
Genomic context (GRCh38, chr19:17,581,172, plus strand): 5'-TTTCCTCCAGCTGTCCCGTCCCCTGAAGCCATTGCTGCCCCTCACTCCCCTCCTCCTCCC[C>T]CCAGGTCCGAGTACAAGGCCCACTTCTCCCTCCGCAACCTGCATGCCTTCTCTGTGGAGC-3'

ClinVar aggregate classification (germline): Likely benign (1 of 4 stars; one submission).

Conditions:
COLGALT1-related disorder. Also called: COLGALT1-related condition.

gnomAD v4.1: 46 of 1,605,544 alleles (0.0029%); highest among the groups gnomAD compares: Non-Finnish European, 0.0035%; no homozygotes.

Submission:

PreventionGenetics, part of Exact Sciences
Classification: Likely benign for COLGALT1-related condition. Last evaluated: 2025-02-03. Review status: criteria provided, single submitter. Criteria: ACMG Guidelines, 2015. Collection method: clinical testing. Allele origin: germline.
Comment: This variant is classified as likely benign based on ACMG/AMP sequence variant interpretation guidelines (Richards et al. 2015 PMID: 25741868, with internal and published modifications).